The following is an entry in ClinVar:

NM_152564.5(VPS13B):c.1651+3A>G

Gene: VPS13B (vacuolar protein sorting 13 homolog B; plus strand). Cytogenetic location: 8q22.2.
Variant type: single nucleotide variant.
Coding change: c.1651+3A>G on transcript NM_152564.5 (MANE Select); 3 bases into the intron after coding-DNA position 1651, A replaced by G.
Molecular consequence: intron variant.
Genome position (GRCh38, 1-based): chr8:99,136,755, A>G. VCF-style: chr8-99136755-A-G. GRCh37 (hg19) VCF-style: chr8-100148983-A-G.
Other names: c.1651+3A>G (NM_017890.5, NM_015243.3, NM_152564.4).
Identifiers: ClinVar variation 2168895 (VCV002168895.4), dbSNP rs1588077106, ClinGen allele CA1805589545.

ClinVar aggregate classification (germline): Uncertain significance. Review status: criteria provided, multiple submitters, no conflicts (2 of 4 stars). 3 submissions from 3 submitters: Uncertain significance (3). Last evaluated 2025-10-19.

Conditions:
VPS13B-related disorder. Also called: VPS13B-related condition.
Cohen syndrome (COH1). Also called: PEPPER SYNDROME; Cutis verticis gyrata, retinitis pigmentosa, and sensorineural deafness. Identifiers: Orphanet 193, MedGen C0265223, MONDO:0008999, OMIM 216550.

Allele frequency attached by ClinVar (database versions not stated): gnomAD exomes below 0.00001; TOPMed below 0.00001.
gnomAD v4.1: 1 of 1,613,338 alleles (0.000062%); highest among the groups gnomAD compares: Non-Finnish European, 0.000085%; no homozygotes.

Submissions (3):

PreventionGenetics, part of Exact Sciences
Classification: Uncertain significance for VPS13B-related condition. Last evaluated: 2025-10-19. Review status: criteria provided, single submitter. Criteria: ACMG Guidelines, 2015. Collection method: clinical testing. Allele origin: germline.
Comment: The VPS13B c.1651+3A>G variant is predicted to interfere with splicing. This variant is predicted to alter splicing based on one available splicing prediction algorithm (SpliceAI, Jaganathan et al. 2019. PubMed ID: 30661751). To our knowledge, this variant has not been reported in the literature or in a large population database (gnomAD), indicating this variant is rare. At this time, the clinical significance of this variant is uncertain due to the absence of conclusive functional and genetic evidence.

Blueprint Genetics
Classification: Uncertain significance. Last evaluated: 2024-10-21. Review status: criteria provided, single submitter. Criteria: ACMG Guidelines, 2015. Collection method: clinical testing. Allele origin: germline.

Labcorp Genetics (formerly Invitae), Labcorp
Classification: Uncertain significance for Cohen syndrome. Last evaluated: 2022-09-01. Review status: criteria provided, single submitter. Criteria: Invitae Variant Classification Sherloc (09022015). Collection method: clinical testing. Allele origin: germline.
Comment: This variant has not been reported in the literature in individuals affected with VPS13B-related conditions. In summary, the available evidence is currently insufficient to determine the role of this variant in disease. Therefore, it has been classified as a Variant of Uncertain Significance. Variants that disrupt the consensus splice site are a relatively common cause of aberrant splicing (PMID: 17576681, 9536098). Algorithms developed to predict the effect of sequence changes on RNA splicing suggest that this variant may disrupt the consensus splice site. This variant is not present in population databases (gnomAD no frequency). This sequence change falls in intron 12 of the VPS13B gene. It does not directly change the encoded amino acid sequence of the VPS13B protein. It affects a nucleotide within the consensus splice site.

Literature cited by the submitters: PubMed 17576681 (cited by Labcorp Genetics (formerly Invitae), Labcorp); PubMed 9536098 (cited by Labcorp Genetics (formerly Invitae), Labcorp).